The following is an entry in ClinVar:

ClinVar aggregate classification (germline): Likely benign (1 of 4 stars; one submission).

Allele frequency attached by ClinVar (database versions not stated): gnomAD exomes 0.00023; gnomAD 0.00025; TOPMed 0.00029; ESP Exome Variant Server 0.00038; ExAC 0.00046.
gnomAD v4.1: 304 of 1,191,569 alleles (0.026%); highest among the groups gnomAD compares: Admixed American, 0.02%; 1 homozygote.

Submission:

CeGaT Center for Human Genetics Tuebingen
Classification: Likely benign. Last evaluated: 2022-12-01. Review status: criteria provided, single submitter. Criteria: CeGaT Center For Human Genetics Tuebingen Variant Classification Criteria Version 2. Collection method: clinical testing. Allele origin: germline. Affected: yes. Observed: 1 variant allele.
Comment: PBDC1: BP4, BS2

NM_016500.5(PBDC1):c.465C>T (p.Asn155=)

Gene: PBDC1 (polysaccharide biosynthesis domain containing 1; plus strand). Cytogenetic location: Xq13.3.
Variant type: single nucleotide variant.
Coding change: c.465C>T on transcript NM_016500.5 (MANE Select); coding-DNA position 465, C replaced by T.
Protein change: p.Asn155=; no amino-acid change (asparagine 155 retained).
Molecular consequence: synonymous variant. On other transcripts: missense variant (1).
Genome position (GRCh38, 1-based): chrX:76,177,671, C>T. VCF-style: chrX-76177671-C-T. GRCh37 (hg19) VCF-style: chrX-75397506-C-T.
Other names: c.353C>T, p.Thr118Ile (NM_001300888.2); short protein forms T118I.
Identifiers: ClinVar variation 2660951 (VCV002660951.24), dbSNP rs200499663, ClinGen allele CA10456796.
Genomic context (GRCh38, chrX:76,177,671, plus strand): 5'-TTCAGCCCCCAGGATACAATTCTTTGCCATTGAAATTGCTCGGAACCGGGAAGGCTATAA[C>T]AAAGCTGTTTATATCAGTGTTCAGGACAAAGAAGGAGAGAAAGGAGTCAACAATGGAGGA-3'
Protein context (NP_057584.2, residues 145-165): IEIARNREGY[Asn155=]KAVYISVQDK